The following is an entry in ClinVar:

ClinVar aggregate classification (germline): Conflicting classifications of pathogenicity. Review status: criteria provided, conflicting classifications (1 of 4 stars). 2 submissions from 2 submitters: Uncertain significance (1); Likely benign (1). Last evaluated 2023-01-01.

Conditions:
Noonan syndrome 6 (NS6). Also called: NRAS-Related Noonan Syndrome. Identifiers: Orphanet 648, MedGen C2750732, MONDO:0013186, OMIM 613224.

Allele frequency attached by ClinVar (database versions not stated): gnomAD 0.00058; TOPMed 0.00072.

Submissions (3):

CeGaT Center for Human Genetics Tuebingen
Classification: Likely benign. Last evaluated: 2023-01-01. Review status: criteria provided, single submitter. Criteria: CeGaT Center For Human Genetics Tuebingen Variant Classification Criteria Version 2. Collection method: clinical testing. Allele origin: germline. Affected: yes. Observed: 1 variant allele.
Comment: NRAS: BS1

Illumina Laboratory Services, Illumina
Classification: Uncertain significance for Noonan syndrome 6. Last evaluated: 2018-01-13. Review status: criteria provided, single submitter. Criteria: ICSL Variant Classification Criteria 13 December 2019. Collection method: clinical testing. Allele origin: germline.

Dr. Peter K. Rogan Lab, Western University
No classification provided (evidence only). Condition: Ovarian serous cystadenocarcinoma. Review status: no classification provided. Collection method: in vitro. Allele origin: not applicable. Functional consequence: retained intron. Not counted in ClinVar's aggregate classification.

NM_002524.5(NRAS):c.*2618A>G

Gene: NRAS (NRAS proto-oncogene, GTPase; minus strand). Cytogenetic location: 1p13.2.
Variant type: single nucleotide variant.
Coding change: c.*2618A>G on transcript NM_002524.5 (MANE Select); 2618 bases downstream of the stop codon, A replaced by G.
Molecular consequence: 3 prime UTR variant.
Genome position (GRCh38, 1-based): chr1:114,705,476, T>C on the plus strand (A>G on the coding strand, the complement: NRAS is on the minus strand). VCF-style: chr1-114705476-T-C. GRCh37 (hg19) VCF-style: chr1-115248097-T-C.
Other names: NC_000001.10:g.115248097T>C.
Identifiers: ClinVar variation 875227 (VCV000875227.29), dbSNP rs528439389, ClinGen allele CA29039817.